The following is an entry in ClinVar:

NM_001386140.1(MTTP):c.1558-2A>G

Gene: MTTP (microsomal triglyceride transfer protein; plus strand). Cytogenetic location: 4q23.
Variant type: single nucleotide variant.
Coding change: c.1558-2A>G on transcript NM_001386140.1 (MANE Select); the canonical splice acceptor site of the intron before coding-DNA position 1558, A replaced by G.
Molecular consequence: splice acceptor variant.
Genome position (GRCh38, 1-based): chr4:99,608,764, A>G. VCF-style: chr4-99608764-A-G. GRCh37 (hg19) VCF-style: chr4-100529921-A-G.
Other names: c.1309-2A>G (NM_001300785.2); c.1558-2A>G (NM_000253.4).
Identifiers: ClinVar variation 557836 (VCV000557836.3), dbSNP rs1553927840, ClinGen allele CA357511969.

ClinVar aggregate classification (germline): Likely pathogenic. Review status: criteria provided, single submitter (1 of 4 stars). 2 submissions from 2 submitters: Likely pathogenic (1). 1 of the submissions does not count toward it. Last evaluated 2025-12-15.

Conditions:
Abetalipoproteinaemia (ABL). Also called: Abetalipoproteinemia; Abetalipoproteinemia neuropathy; Apolipoprotein B deficiency; Congenital betalipoprotein deficiency syndrome; MTP DEFICIENCY. Identifiers: Orphanet 14, MedGen C0000744, MONDO:0008692, OMIM 200100, HP:0008181.

Submissions (2):

Myriad Genetics, Inc.
Classification: Likely pathogenic for Abetalipoproteinaemia. Last evaluated: 2025-12-15. Review status: criteria provided, single submitter. Criteria: Myriad Autosomal Dominant, Autosomal Recessive and X-Linked Classification Criteria (2023). Collection method: clinical testing. Allele origin: unknown.
Comment: NM_000253.2(MTTP):c.1558-2A>G is a variant in a canonical splice site classified as likely pathogenic in the context of abetalipoproteinemia. c.1558-2A>G has not been observed in cases with relevant disease. Relevant functional assessments of this variant are not available in the literature. c.1558-2A>G has not been observed in referenced population frequency databases. In summary, NM_000253.2(MTTP):c.1558-2A>G is a variant in a canonical splice site in a gene where loss of function is a known mechanism of disease and is predicted to disrupt protein function. Please note: this variant was assessed in the context of healthy population screening.

Counsyl
Classification: Likely pathogenic for Abetalipoproteinaemia. Last evaluated: 2018-04-10. Review status: no assertion criteria provided. Collection method: clinical testing. Allele origin: unknown. Not counted in ClinVar's aggregate classification.